The following is an entry in ClinVar:

NM_024642.5(GALNT12):c.1225G>C (p.Asp409His)

Gene: GALNT12 (polypeptide N-acetylgalactosaminyltransferase 12; plus strand). Cytogenetic location: 9q22.33.
Variant type: single nucleotide variant.
Coding change: c.1225G>C on transcript NM_024642.5 (MANE Select); coding-DNA position 1225, G replaced by C.
Protein change: p.Asp409His; replaces aspartic acid 409 with histidine.
Molecular consequence: missense variant.
Genome position (GRCh38, 1-based): chr9:98,840,014, G>C. VCF-style: chr9-98840014-G-C. GRCh37 (hg19) VCF-style: chr9-101602296-G-C.
Other names: short protein forms D409H.
Identifiers: ClinVar variation 1754174 (VCV001754174.2), dbSNP rs1836247761, ClinGen allele CA374220899.

ClinVar aggregate classification (germline): Uncertain significance (1 of 4 stars; one submission).

Submission:

Ambry Genetics
Classification: Uncertain significance. Last evaluated: 2021-10-04. Review status: criteria provided, single submitter. Criteria: Ambry Variant Classification Scheme 2023. Collection method: clinical testing. Allele origin: germline.
Comment: The p.D409H variant (also known as c.1225G>C), located in coding exon 7 of the GALNT12 gene, results from a G to C substitution at nucleotide position 1225. The aspartic acid at codon 409 is replaced by histidine, an amino acid with similar properties. This amino acid position is conserved. In addition, this alteration is predicted to be deleterious by in silico analysis. Since supporting evidence is limited at this time, the clinical significance of this alteration remains unclear.